The following is an entry in ClinVar:

NM_001164508.2(NEB):c.17541dup (p.Tyr5848fs)

Gene: NEB (nebulin; minus strand). Cytogenetic location: 2q23.3.
Variant type: Duplication.
Coding change: c.17541dup on transcript NM_001164508.2 (MANE Select); coding-DNA position 17541, one base duplicated (A; older notation c.17541dupA).
Protein change: p.Tyr5848fs; shifts the reading frame from tyrosine 5848.
Molecular consequence: frameshift variant.
Genome position (GRCh38, 1-based): chr2:151,568,711, T duplicated on the plus strand (A on the coding strand, the reverse complement: NEB is on the minus strand); the first of 6 consecutive T bases (chr2:151,568,711-151,568,716); duplicating any one gives the same sequence. VCF-style (leftmost placement, unchanged base first): chr2-151568710-A-AT. GRCh37 (hg19) VCF-style: chr2-152425224-A-AT.
Other names: c.17541dup, p.Tyr5848fs (NM_001164507.2, NM_001271208.2); c.12438dup, p.Tyr4147fs (NM_004543.5); short protein forms Y4147fs, Y5848fs.
Identifiers: ClinVar variation 287419 (VCV000287419.14), dbSNP rs886043631, ClinGen allele CA10605759.

ClinVar aggregate classification (germline): Pathogenic. Review status: criteria provided, multiple submitters, no conflicts (2 of 4 stars). 3 submissions from 3 submitters: Pathogenic (3). Last evaluated 2025-03-27.

Conditions:
Nemaline myopathy. Also called: Myopathies, Nemaline. Identifiers: Orphanet 607, MedGen C0206157, MONDO:0018958.
Nemaline myopathy 2 (NEM2). Also called: Nemaline myopathy 2, autosomal recessive. Identifiers: MedGen C1850569, MONDO:0009725, OMIM 256030.

Submissions (3):

Labcorp Genetics (formerly Invitae), Labcorp
Classification: Pathogenic for Nemaline myopathy 2. Last evaluated: 2025-03-27. Review status: criteria provided, single submitter. Criteria: Invitae Variant Classification Sherloc (09022015). Collection method: clinical testing. Allele origin: germline.
Comment: This sequence change creates a premature translational stop signal (p.Tyr5848Ilefs*15) in the NEB gene. It is expected to result in an absent or disrupted protein product. Loss-of-function variants in NEB are known to be pathogenic (PMID: 25205138). The frequency data for this variant in the population databases is considered unreliable, as metrics indicate poor data quality at this position in the gnomAD database. This premature translational stop signal has been observed in individual(s) with clinical features of nemaline myopathy (PMID: 29792937). ClinVar contains an entry for this variant (Variation ID: 287419). For these reasons, this variant has been classified as Pathogenic.

Muscle and Diseases Team, Institut de Génétique et Biologie Moléculaire et Cellulaire
Classification: Pathogenic for Nemaline myopathy. Last evaluated: 2024-03-01. Review status: criteria provided, single submitter. Criteria: ACMG Guidelines, 2015. Collection method: research. Allele origin: unknown. Affected: yes. Observed: 1 variant allele.
Comment: PVS1+PM1+PM2+PP3+PP4+PP5

Eurofins Ntd Llc (ga)
Classification: Pathogenic. Last evaluated: 2016-05-25. Review status: criteria provided, single submitter. Criteria: EGL Classification Definitions. Collection method: clinical testing. Allele origin: germline. Observed: 1 variant allele, 1 heterozygote.

Literature cited by the submitters: PubMed 25205138 (cited by Labcorp Genetics (formerly Invitae), Labcorp); PubMed 29792937 (cited by Labcorp Genetics (formerly Invitae), Labcorp); DOI 10.1186/s13073-024-01353-0 (cited by Muscle and Diseases Team, Institut de Génétique et Biologie Moléculaire et Cellulaire).